The following is an entry in ClinVar:

ClinVar aggregate classification (germline): Benign/Likely benign. Review status: criteria provided, multiple submitters, no conflicts (2 of 4 stars). 4 submissions from 4 submitters: Benign (1); Likely benign (3). Last evaluated 2026-06-01.

Conditions:
Inborn genetic diseases. Identifiers: MedGen C0950123, MeSH D030342.

Allele frequency attached by ClinVar (database versions not stated): TOPMed 0.00002; gnomAD 0.00007; gnomAD exomes 0.00011; 1000 Genomes Project 0.00020; ExAC 0.00020; 1000 Genomes Project 30x 0.00031.
gnomAD v4.1: 175 of 1,611,074 alleles (0.011%); highest among the groups gnomAD compares: South Asian, 0.17%; 1 homozygote.

Submissions (4):

CeGaT Center for Human Genetics Tuebingen
Classification: Likely benign. Last evaluated: 2026-06-01. Review status: criteria provided, single submitter. Criteria: CeGaT Center For Human Genetics Tuebingen Variant Classification Criteria Version 2. Collection method: clinical testing. Allele origin: germline. Affected: yes. Observed: 2 variant alleles.
Comment: KDM1A: BP4, BP7, BS1

Labcorp Genetics (formerly Invitae), Labcorp
Classification: Benign. Last evaluated: 2025-11-03. Review status: criteria provided, single submitter. Criteria: Invitae Variant Classification Sherloc (09022015). Collection method: clinical testing. Allele origin: germline.

Ambry Genetics
Classification: Likely benign for Inborn genetic diseases. Last evaluated: 2024-11-26. Review status: criteria provided, single submitter. Criteria: Ambry Variant Classification Scheme 2023. Collection method: clinical testing. Allele origin: germline.

Blueprint Genetics
Classification: Likely benign. Last evaluated: 2022-09-22. Review status: criteria provided, single submitter. Criteria: ACMG Guidelines, 2015. Collection method: clinical testing. Allele origin: germline.

NM_001009999.3(KDM1A):c.979T>C (p.Leu327=)

Gene: KDM1A (lysine demethylase 1A; plus strand). Cytogenetic location: 1p36.12.
Variant type: single nucleotide variant.
Coding change: c.979T>C on transcript NM_001009999.3 (MANE Select); coding-DNA position 979, T replaced by C.
Protein change: p.Leu327=; no amino-acid change (leucine 327 retained).
Molecular consequence: synonymous variant.
Genome position (GRCh38, 1-based): chr1:23,056,027, T>C. VCF-style: chr1-23056027-T-C. GRCh37 (hg19) VCF-style: chr1-23382520-T-C.
Other names: c.979T>C (NM_001009999.2); c.919T>C, p.Leu307= (NM_001363654.2, NM_001410763.1, NM_015013.4); c.979T>C, p.Leu327= (NM_001410762.1).
Identifiers: ClinVar variation 2638477 (VCV002638477.29), dbSNP rs541709504, ClinGen allele CA679598.